The following is an entry in ClinVar:

ClinVar aggregate classification (germline): Uncertain significance. Review status: criteria provided, multiple submitters, no conflicts (2 of 4 stars). 2 submissions from 2 submitters: Uncertain significance (2). Last evaluated 2023-12-30.

Conditions:
Early-infantile DEE. Also called: Early infantile epileptic encephalopathy; Ohtahara syndrome; Early infantile epileptic encephalopathy with suppression bursts. Identifiers: Orphanet 1934, MedGen C0393706, MONDO:0800491.

Allele frequency attached by ClinVar (database versions not stated): ExAC below 0.00001; gnomAD exomes 0.00001; TOPMed 0.00001.
gnomAD v4.1: 5 of 1,532,836 alleles (0.00033%); highest among the groups gnomAD compares: East Asian, 0.013%; no homozygotes.

Submissions (2):

Labcorp Genetics (formerly Invitae), Labcorp
Classification: Uncertain significance for Early-infantile DEE. Last evaluated: 2023-12-30. Review status: criteria provided, single submitter. Criteria: Invitae Variant Classification Sherloc (09022015). Collection method: clinical testing. Allele origin: germline.
Comment: This sequence change replaces glycine, which is neutral and non-polar, with serine, which is neutral and polar, at codon 8 of the KCNQ2 protein (p.Gly8Ser). The frequency data for this variant in the population databases is considered unreliable, as metrics indicate poor data quality at this position in the gnomAD database. This variant has not been reported in the literature in individuals affected with KCNQ2-related conditions. ClinVar contains an entry for this variant (Variation ID: 939478). Advanced modeling of protein sequence and biophysical properties (such as structural, functional, and spatial information, amino acid conservation, physicochemical variation, residue mobility, and thermodynamic stability) performed at Invitae indicates that this missense variant is not expected to disrupt KCNQ2 protein function with a negative predictive value of 95%. In summary, the available evidence is currently insufficient to determine the role of this variant in disease. Therefore, it has been classified as a Variant of Uncertain Significance.

GeneDx
Classification: Uncertain significance. Last evaluated: 2023-06-02. Review status: criteria provided, single submitter. Criteria: GeneDx Variant Classification Process June 2021. Collection method: clinical testing. Allele origin: germline. Affected: yes.
Comment: In silico analysis supports that this missense variant does not alter protein structure/function; Missense variants in this gene are often considered pathogenic (HGMD); Has not been previously published as pathogenic or benign to our knowledge

NM_172107.4(KCNQ2):c.22G>A (p.Gly8Ser)

Gene: KCNQ2 (potassium voltage-gated channel subfamily Q member 2; minus strand). Cytogenetic location: 20q13.33.
Variant type: single nucleotide variant.
Coding change: c.22G>A on transcript NM_172107.4 (MANE Select); coding-DNA position 22, G replaced by A.
Protein change: p.Gly8Ser; replaces glycine 8 with serine.
Molecular consequence: missense variant.
Genome position (GRCh38, 1-based): chr20:63,472,442, C>T on the plus strand (G>A on the coding strand, the complement: KCNQ2 is on the minus strand). VCF-style: chr20-63472442-C-T. GRCh37 (hg19) VCF-style: chr20-62103795-C-T.
Other names: c.22G>A, p.Gly8Ser (NM_001382235.1, NM_004518.6, NM_172106.3 and 2 more transcripts); short protein forms G8S.
Identifiers: ClinVar variation 939478 (VCV000939478.6), dbSNP rs769045070, ClinGen allele CA9958904.